The following is an entry in ClinVar:

NM_004586.3(RPS6KA3):c.2021T>G (p.Leu674Arg)

Gene: RPS6KA3 (ribosomal protein S6 kinase A3; minus strand). Cytogenetic location: Xp22.12.
Variant type: single nucleotide variant.
Coding change: c.2021T>G on transcript NM_004586.3 (MANE Select); coding-DNA position 2021, T replaced by G.
Protein change: p.Leu674Arg; replaces leucine 674 with arginine.
Molecular consequence: missense variant.
Genome position (GRCh38, 1-based): chrX:20,156,188, A>C on the plus strand (T>G on the coding strand, the complement: RPS6KA3 is on the minus strand). VCF-style: chrX-20156188-A-C. GRCh37 (hg19) VCF-style: chrX-20174306-A-C.
Other names: c.2021T>G (NM_004586.2); short protein forms L674R.
Identifiers: ClinVar variation 3777105 (VCV003777105.1).

ClinVar aggregate classification (germline): Uncertain significance (1 of 4 stars; one submission).

Conditions:
Coffin-Lowry syndrome (CLS). Also called: Mental retardation with osteocartilaginous abnormalities; COFFIN-LOWRY SYNDROME, MILD. Identifiers: Orphanet 192, MedGen C0265252, MONDO:0010561, OMIM 303600.

Submission:

University of Washington Department of Laboratory Medicine, University of Washington
Classification: Uncertain significance for Coffin-Lowry syndrome. Last evaluated: 2022-04-05. Review status: criteria provided, single submitter. Criteria: ACMG Guidelines, 2015. Collection method: clinical testing. Allele origin: maternal. Affected: yes.
Comment: The p.Leu674Arg variant in the RPS6KA3 gene has not been previously reported in association with disease. The variant was absent from large population databases, including the Genome Aggregation Database. The RPS6KA3 gene has fewer missense variants in the general population than expected. A low rate of missense variation may suggest that this gene is intolerant to missense variation. The leucine at position 674 of the RPS6KA3 gene is evolutionarily conserved. In silico tools do not consistently predict whether this variant impacts protein function; however, these predictions have not been tested directly. Using ACMG guidelines, this variant was classified as a variant of uncertain significance (ACMG evidence codes used: PM2_supporting, PP2).